The following is an entry in ClinVar:

ClinVar aggregate classification (germline): Uncertain significance (1 of 4 stars; one submission).

Submission:

CeGaT Center for Human Genetics Tuebingen
Classification: Uncertain significance. Last evaluated: 2026-09-01. Review status: criteria provided, single submitter. Criteria: CeGaT Center For Human Genetics Tuebingen Variant Classification Criteria Version 2. Collection method: clinical testing. Allele origin: germline. Affected: yes. Observed: 1 variant allele.
Comment: SUZ12: PM2, PVS1:Supporting

NM_015355.4(SUZ12):c.2184del (p.Val730fs)

Gene: SUZ12 (SUZ12 polycomb repressive complex 2 subunit; plus strand). Cytogenetic location: 17q11.2.
Variant type: Deletion.
Coding change: c.2184del on transcript NM_015355.4 (MANE Select); coding-DNA position 2184, one base deleted (A; older notation c.2184delA).
Protein change: p.Val730fs; shifts the reading frame from valine 730.
Molecular consequence: frameshift variant.
Genome position (GRCh38, 1-based): chr17:31,998,967, A deleted. VCF-style (leftmost placement, unchanged base first): chr17-31998966-CA-C. GRCh37 (hg19) VCF-style: chr17-30325985-CA-C.
Other names: c.2115del, p.Val707fs (NM_001321207.2); short protein forms V707fs, V730fs.
Identifiers: ClinVar variation 5041051 (VCV005041051.1).